The following is an entry in ClinVar:

ClinVar aggregate classification (germline): Uncertain significance (1 of 4 stars; one submission).

Submission:

CeGaT Center for Human Genetics Tuebingen
Classification: Uncertain significance. Last evaluated: 2024-06-01. Review status: criteria provided, single submitter. Criteria: CeGaT Center For Human Genetics Tuebingen Variant Classification Criteria Version 2. Collection method: clinical testing. Allele origin: germline. Affected: yes. Observed: 1 variant allele.
Comment: PHKA1: PM2, PP3

NM_002637.4(PHKA1):c.29G>C (p.Arg10Pro)

Gene: PHKA1 (phosphorylase kinase regulatory subunit alpha 1; minus strand). Cytogenetic location: Xq13.1.
Variant type: single nucleotide variant.
Coding change: c.29G>C on transcript NM_002637.4 (MANE Select); coding-DNA position 29, G replaced by C.
Protein change: p.Arg10Pro; replaces arginine 10 with proline.
Molecular consequence: missense variant.
Genome position (GRCh38, 1-based): chrX:72,713,852, C>G on the plus strand (G>C on the coding strand, the complement: PHKA1 is on the minus strand). VCF-style: chrX-72713852-C-G. GRCh37 (hg19) VCF-style: chrX-71933700-C-G.
Other names: c.29G>C, p.Arg10Pro (NM_001122670.2, NM_001172436.2, NM_001431068.1); short protein forms R10P.
Identifiers: ClinVar variation 3251088 (VCV003251088.18), dbSNP rs1603278200.